The following is an entry in ClinVar:

NM_003482.4(KMT2D):c.12027_12028del (p.Phe4009_Ser4010insTer)

Gene: KMT2D (lysine methyltransferase 2D; minus strand). Cytogenetic location: 12q13.12.
Variant type: Deletion.
Coding change: c.12027_12028del on transcript NM_003482.4 (MANE Select); coding-DNA positions 12027 to 12028, 2 bases deleted (TT; older notation c.12027_12028delTT).
Protein change: p.Phe4009_Ser4010insTer.
Molecular consequence: frameshift variant.
Genome position (GRCh38, 1-based): chr12:49,032,677-49,032,678, AA deleted on the plus strand (TT on the coding strand, the reverse complement: KMT2D is on the minus strand); deleting any 2 consecutive bases within chr12:49,032,677-49,032,680 gives the same sequence; the c. name uses the placement nearest the transcript's 3' end. VCF-style (leftmost placement, unchanged base first): chr12-49032676-GAA-G. GRCh37 (hg19) VCF-style: chr12-49426459-GAA-G.
Identifiers: ClinVar variation 2112600 (VCV002112600.4), dbSNP rs2498359196, ClinGen allele CA645574505.

ClinVar aggregate classification (germline): Pathogenic (1 of 4 stars; one submission).

Conditions:
Kabuki syndrome. Also called: Kabuki make-up syndrome; NIIKAWA-KUROKI SYNDROME. Identifiers: Orphanet 2322, MedGen C0796004, MONDO:0016512.

Submission:

Labcorp Genetics (formerly Invitae), Labcorp
Classification: Pathogenic for Kabuki syndrome. Last evaluated: 2022-03-15. Review status: criteria provided, single submitter. Criteria: Invitae Variant Classification Sherloc (09022015). Collection method: clinical testing. Allele origin: germline.
Comment: For these reasons, this variant has been classified as Pathogenic. This variant has not been reported in the literature in individuals affected with KMT2D-related conditions. This variant is not present in population databases (gnomAD no frequency). This sequence change creates a premature translational stop signal (p.Ser4010*) in the KMT2D gene. It is expected to result in an absent or disrupted protein product. Loss-of-function variants in KMT2D are known to be pathogenic (PMID: 22126750).

Literature cited by the submitters: PubMed 22126750.